The following is an entry in ClinVar:

NM_001853.4(COL9A3):c.1102G>A (p.Val368Ile)

Gene: COL9A3 (collagen type IX alpha 3 chain; plus strand). Cytogenetic location: 20q13.33.
Variant type: single nucleotide variant.
Coding change: c.1102G>A on transcript NM_001853.4 (MANE Select); coding-DNA position 1102, G replaced by A.
Protein change: p.Val368Ile; replaces valine 368 with isoleucine.
Molecular consequence: missense variant.
Genome position (GRCh38, 1-based): chr20:62,829,676, G>A. VCF-style: chr20-62829676-G-A. GRCh37 (hg19) VCF-style: chr20-61461028-G-A.
Other names: short protein forms V368I.
Identifiers: ClinVar variation 1363433 (VCV001363433.9), dbSNP rs531144768, ClinGen allele CA9949747.

ClinVar aggregate classification (germline): Uncertain significance. Review status: criteria provided, multiple submitters, no conflicts (2 of 4 stars). 2 submissions from 2 submitters: Uncertain significance (2). Last evaluated 2022-11-01.

Conditions:
Stickler syndrome. Identifiers: Orphanet 828, MedGen C0265253, MONDO:0019354.

Allele frequency attached by ClinVar (database versions not stated): TOPMed below 0.00001; ExAC 0.00001; gnomAD 0.00001; gnomAD exomes 0.00001; 1000 Genomes Project 30x 0.00016; 1000 Genomes Project 0.00020.
gnomAD v4.1: 19 of 1,608,894 alleles (0.0012%); highest among the groups gnomAD compares: South Asian, 0.0022%; no homozygotes.

Submissions (2):

Labcorp Genetics (formerly Invitae), Labcorp
Classification: Uncertain significance. Last evaluated: 2022-11-01. Review status: criteria provided, single submitter. Criteria: Invitae Variant Classification Sherloc (09022015). Collection method: clinical testing. Allele origin: germline.
Comment: In summary, the available evidence is currently insufficient to determine the role of this variant in disease. Therefore, it has been classified as a Variant of Uncertain Significance. Advanced modeling of protein sequence and biophysical properties (such as structural, functional, and spatial information, amino acid conservation, physicochemical variation, residue mobility, and thermodynamic stability) performed at Invitae indicates that this missense variant is not expected to disrupt COL9A3 protein function. ClinVar contains an entry for this variant (Variation ID: 1363433). This variant has not been reported in the literature in individuals affected with COL9A3-related conditions. The frequency data for this variant in the population databases is considered unreliable, as metrics indicate poor data quality at this position in the gnomAD database. This sequence change replaces valine, which is neutral and non-polar, with isoleucine, which is neutral and non-polar, at codon 368 of the COL9A3 protein (p.Val368Ile).

Victorian Clinical Genetics Services, Murdoch Childrens Research Institute
Classification: Uncertain significance for Stickler syndrome. Last evaluated: 2020-07-02. Review status: criteria provided, single submitter. Criteria: ACMG Guidelines, 2015. Collection method: clinical testing. Allele origin: germline. Inheritance: Autosomal recessive inheritance.
Comment: Based on the classification scheme VCGS_Germline_v1.1.1, this variant is classified as 3C-VUS. Following criteria are met: 0102 - Loss-of-function is a known mechanism of disease for this gene. (N) 0105 - The mechanism of disease for this gene is not clearly established. The mechanism of disease for COL9A3 has not been established for missense variants. (N) 0108 - This gene is known to be associated with both recessive and dominant disease. This gene is associated with autosomal dominant epiphyseal dysplasia, with or without myopathy (OMIM) and autosomal recessive Stickler syndrome (PMID: 31090205). (N) 0200 - Variant is predicted to result in a missense amino acid change from a valine to an isoleucine (exon 21). (N) 0251 - Variant is heterozygous. (N) 0302 - Variant is present in gnomAD v2 <0.001 (2 Heterozygotes, 0 Homozygotes). (P) 0504 - Same amino acid change has been observed in mammals. (B) 0600 - Variant is located in an annotated domain or motif. The variant is in a triple helical domain (Decipher). (N) 0705 - No comparable variants have previous evidence for pathogenicity. (N) 0807 - Variant has not previously been reported in a clinical context. (N) 0905 - No segregation evidence has been identified for this variant in the literature. (N) 1007 - No published functional evidence has been identified for this variant in the literature. (N) 1208 - Inheritance information for this variant is not currently available. (N) Legend: (P) - Pathogenic, (N) - Neutral, (B) - Benign

Literature cited by the submitters: PubMed 31090205 (cited by Victorian Clinical Genetics Services, Murdoch Childrens Research Institute).